The following is an entry in ClinVar:

NM_005618.4(DLL1):c.1038C>T (p.Leu346=)

Gene: DLL1 (delta like canonical Notch ligand 1; minus strand). Cytogenetic location: 6q27.
Variant type: single nucleotide variant.
Coding change: c.1038C>T on transcript NM_005618.4 (MANE Select); coding-DNA position 1038, C replaced by T.
Protein change: p.Leu346=; no amino-acid change (leucine 346 retained).
Molecular consequence: synonymous variant.
Genome position (GRCh38, 1-based): chr6:170,285,130, G>A on the plus strand (C>T on the coding strand, the complement: DLL1 is on the minus strand). VCF-style: chr6-170285130-G-A. GRCh37 (hg19) VCF-style: chr6-170594218-G-A.
Identifiers: ClinVar variation 2189902 (VCV002189902.26), dbSNP rs372671238, ClinGen allele CA4106939.

ClinVar aggregate classification (germline): Likely benign. Review status: criteria provided, multiple submitters, no conflicts (2 of 4 stars). 2 submissions from 2 submitters: Likely benign (2). Last evaluated 2026-01-12.

Allele frequency attached by ClinVar (database versions not stated): ESP Exome Variant Server 0.00015.

Submissions (2):

Labcorp Genetics (formerly Invitae), Labcorp
Classification: Likely benign. Last evaluated: 2026-01-12. Review status: criteria provided, single submitter. Criteria: Invitae Variant Classification Sherloc (09022015). Collection method: clinical testing. Allele origin: germline.

CeGaT Center for Human Genetics Tuebingen
Classification: Likely benign. Last evaluated: 2023-12-01. Review status: criteria provided, single submitter. Criteria: CeGaT Center For Human Genetics Tuebingen Variant Classification Criteria Version 2. Collection method: clinical testing. Allele origin: germline. Affected: yes. Observed: 1 variant allele.
Comment: DLL1: BP4, BP7